The following is an entry in ClinVar:

ClinVar aggregate classification (germline): Uncertain significance (1 of 4 stars; one submission).

Conditions:
Hereditary cancer-predisposing syndrome. Also called: Neoplastic Syndromes, Hereditary; Tumor predisposition; Hereditary Cancer Syndrome; Hereditary neoplastic syndrome. Identifiers: Orphanet 140162, MedGen C0027672, MeSH D009386, MONDO:0015356.

Submission:

Ambry Genetics
Classification: Uncertain significance for Hereditary cancer-predisposing syndrome. Last evaluated: 2026-03-25. Review status: criteria provided, single submitter. Criteria: Ambry Variant Classification Scheme 2023. Collection method: clinical testing. Allele origin: germline.
Comment: The c.787+1G>A intronic variant results from a G to A substitution one nucleotide after coding exon 2 of the ALK gene. This nucleotide position is highly conserved in available vertebrate species. In silico splice site analysis predicts that this alteration will weaken the native splice donor site. Variants that disrupt the canonical splice site are expected to cause aberrant splicing, resulting in an abnormal protein or a transcript that is subject to nonsense-mediated mRNA decay. However, loss of function has not been established as a mechanism of disease. Based on the available evidence, the clinical significance of this variant remains unclear.

NM_004304.5(ALK):c.787+1G>A

Gene: ALK (ALK receptor tyrosine kinase; minus strand). Cytogenetic location: 2p23.2.
Variant type: single nucleotide variant.
Coding change: c.787+1G>A on transcript NM_004304.5 (MANE Select); the canonical splice donor site of the intron after coding-DNA position 787, G replaced by A.
Molecular consequence: splice donor variant.
Genome position (GRCh38, 1-based): chr2:29,717,577, C>T on the plus strand (G>A on the coding strand, the complement: ALK is on the minus strand). VCF-style: chr2-29717577-C-T. GRCh37 (hg19) VCF-style: chr2-29940443-C-T.
Identifiers: ClinVar variation 4869906 (VCV004869906.1).